The following is an entry in ClinVar:

ClinVar aggregate classification (germline): Benign (1 of 4 stars; one submission).

Allele frequency attached by ClinVar (database versions not stated): 1000 Genomes Project 0.57388; 1000 Genomes Project 30x 0.57870; TOPMed 0.65943; gnomAD 0.66458 and 0.66597.
gnomAD v4.1: 101,187 of 151,996 alleles (67%); highest among the groups gnomAD compares: Non-Finnish European, 77%; 35,027 homozygotes.

Submission:

GeneDx
Classification: Benign. Last evaluated: 2018-06-14. Review status: criteria provided, single submitter. Criteria: GeneDx Variant Classification (06012015). Collection method: clinical testing. Allele origin: germline. Affected: yes.
Comment: This variant is considered likely benign or benign based on one or more of the following criteria: it is a conservative change, it occurs at a poorly conserved position in the protein, it is predicted to be benign by multiple in silico algorithms, and/or has population frequency not consistent with disease.

NM_020745.4(AARS2):c.2007+257C>T

Gene: AARS2 (alanyl-tRNA synthetase 2, mitochondrial; minus strand). Cytogenetic location: 6p21.1.
Variant type: single nucleotide variant.
Coding change: c.2007+257C>T on transcript NM_020745.4 (MANE Select); 257 bases into the intron after coding-DNA position 2007, C replaced by T.
Molecular consequence: intron variant.
Genome position (GRCh38, 1-based): chr6:44,303,924, G>A on the plus strand (C>T on the coding strand, the complement: AARS2 is on the minus strand). VCF-style: chr6-44303924-G-A. GRCh37 (hg19) VCF-style: chr6-44271661-G-A.
Identifiers: ClinVar variation 682694 (VCV000682694.1), dbSNP rs325000, ClinGen allele CA12295309.
Genomic context (GRCh38, chr6:44,303,924, plus strand): 5'-CCCAGTTTAGGCAAGAATGGCTTGGATGACAGTAGAAACAAGGAAGGGGAGCGGCTGGAG[G>A]TGAAGGGAAGGCCCCTGCTGGAGGGCCTTCAGGATCCCACATCAGAGCTGGGCGAGGCCC-3'